The following is an entry in ClinVar:

ClinVar aggregate classification (germline): Uncertain significance. Review status: criteria provided, multiple submitters, no conflicts (2 of 4 stars). 3 submissions from 3 submitters: Uncertain significance (3). Last evaluated 2023-08-10.

Conditions:
Charcot-Marie-Tooth disease axonal type 2O. Also called: CHARCOT-MARIE-TOOTH NEUROPATHY, AXONAL, TYPE 2O; CHARCOT-MARIE-TOOTH DISEASE, AXONAL, AUTOSOMAL DOMINANT, TYPE 2O; Charcot-Marie-Tooth Neuropathy Type 2O; Charcot-Marie-Tooth disease, axonal, type 20. Identifiers: Orphanet 284232, MedGen C3280220, MONDO:0013644, OMIM 614228.
Inborn genetic diseases. Identifiers: MedGen C0950123, MeSH D030342.

Submissions (3):

Labcorp Genetics (formerly Invitae), Labcorp
Classification: Uncertain significance for Charcot-Marie-Tooth disease axonal type 2O. Last evaluated: 2023-08-10. Review status: criteria provided, single submitter. Criteria: Invitae Variant Classification Sherloc (09022015). Collection method: clinical testing. Allele origin: germline.
Comment: In summary, the available evidence is currently insufficient to determine the role of this variant in disease. Therefore, it has been classified as a Variant of Uncertain Significance. Advanced modeling of protein sequence and biophysical properties (such as structural, functional, and spatial information, amino acid conservation, physicochemical variation, residue mobility, and thermodynamic stability) has been performed at Invitae for this missense variant, however the output from this modeling did not meet the statistical confidence thresholds required to predict the impact of this variant on DYNC1H1 protein function. ClinVar contains an entry for this variant (Variation ID: 1041996). This variant has not been reported in the literature in individuals affected with DYNC1H1-related conditions. This variant is not present in population databases (gnomAD no frequency). This sequence change replaces glutamic acid, which is acidic and polar, with aspartic acid, which is acidic and polar, at codon 1524 of the DYNC1H1 protein (p.Glu1524Asp).

GeneDx
Classification: Uncertain significance. Last evaluated: 2021-11-11. Review status: criteria provided, single submitter. Criteria: GeneDx Variant Classification Process June 2021. Collection method: clinical testing. Allele origin: germline. Affected: yes.
Comment: Not observed in large population cohorts (Lek et al., 2016); In silico analysis supports that this missense variant does not alter protein structure/function; Has not been previously published as pathogenic or benign to our knowledge; This variant is associated with the following publications: (PMID: 26100331, 25609763, 25512093)

Ambry Genetics
Classification: Uncertain significance for Inborn genetic diseases. Last evaluated: 2019-04-03. Review status: criteria provided, single submitter. Criteria: Ambry Variant Classification Scheme 2023. Collection method: clinical testing. Allele origin: germline.
Comment: The p.E1524D variant (also known as c.4572A>T), located in coding exon 22 of the DYNC1H1 gene, results from an A to T substitution at nucleotide position 4572. The glutamic acid at codon 1524 is replaced by aspartic acid, an amino acid with highly similar properties. This amino acid position is highly conserved in available vertebrate species. In addition, the in silico prediction for this alteration is inconclusive. Since supporting evidence is limited at this time, the clinical significance of this alteration remains unclear.

NM_001376.5(DYNC1H1):c.4572A>T (p.Glu1524Asp)

Gene: DYNC1H1 (dynein cytoplasmic 1 heavy chain 1; plus strand). Cytogenetic location: 14q32.31.
Variant type: single nucleotide variant.
Coding change: c.4572A>T on transcript NM_001376.5 (MANE Select); coding-DNA position 4572, A replaced by T.
Protein change: p.Glu1524Asp; replaces glutamic acid 1524 with aspartic acid.
Molecular consequence: missense variant.
Genome position (GRCh38, 1-based): chr14:102,002,566, A>T. VCF-style: chr14-102002566-A-T. GRCh37 (hg19) VCF-style: chr14-102468903-A-T.
Other names: short protein forms E1524D.
Identifiers: ClinVar variation 1041996 (VCV001041996.12), dbSNP rs2048144507, ClinGen allele CA391043021.